The following is an entry in ClinVar:

ClinVar aggregate classification (germline): Pathogenic (1 of 4 stars; one submission).

Submission:

GeneDx
Classification: Pathogenic. Last evaluated: 2024-09-04. Review status: criteria provided, single submitter. Criteria: GeneDx Variant Classification Process June 2021. Collection method: clinical testing. Allele origin: germline. Affected: yes.
Comment: Frameshift variant predicted to result in protein truncation or nonsense mediated decay in a gene for which loss of function is a known mechanism of disease; Not observed at significant frequency in large population cohorts (gnomAD); Has not been previously published as pathogenic or benign to our knowledge

NM_002653.5(PITX1):c.186_187dup (p.Glu63fs)

Gene: PITX1 (paired like homeodomain 1; minus strand). Cytogenetic location: 5q31.1.
Variant type: Duplication.
Coding change: c.186_187dup on transcript NM_002653.5 (MANE Select); coding-DNA positions 186 to 187, 2 bases duplicated (GG; older notation c.186_187dupGG).
Protein change: p.Glu63fs; shifts the reading frame from glutamic acid 63.
Molecular consequence: frameshift variant.
Genome position (GRCh38, 1-based): chr5:135,031,491-135,031,492, CC duplicated on the plus strand (GG on the coding strand, the reverse complement: PITX1 is on the minus strand); duplicating any 2 consecutive bases within chr5:135,031,491-135,031,494 gives the same sequence; the c. name uses the placement nearest the transcript's 3' end. VCF-style (leftmost placement, unchanged base first): chr5-135031490-T-TCC. GRCh37 (hg19) VCF-style: chr5-134367180-T-TCC.
Other names: short protein forms E63fs.
Identifiers: ClinVar variation 3767675 (VCV003767675.1).